The following is an entry in ClinVar:

ClinVar aggregate classification (germline): Benign. Review status: criteria provided, multiple submitters, no conflicts (2 of 4 stars). 3 submissions from 3 submitters: Benign (2). 1 of the submissions does not count toward it. Last evaluated 2026-02-03.

Conditions:
FBN3-related disorder. Also called: FBN3-related condition.

Allele frequency attached by ClinVar (database versions not stated): 1000 Genomes Project 0.07987; 1000 Genomes Project 30x 0.08136; ExAC 0.06348; gnomAD exomes 0.07127; ESP Exome Variant Server 0.03052; TOPMed 0.05486; gnomAD 0.04643 and 0.04936.
gnomAD v4.1: 77,886 of 1,609,962 alleles (4.8%); highest among the groups gnomAD compares: East Asian, 20%; 3,311 homozygotes.

Submissions (3):

Labcorp Genetics (formerly Invitae), Labcorp
Classification: Benign. Last evaluated: 2026-02-03. Review status: criteria provided, single submitter. Criteria: Invitae Variant Classification Sherloc (09022015). Collection method: clinical testing. Allele origin: germline.

Breakthrough Genomics
Classification: Benign. Review status: criteria provided, single submitter. Criteria: ACMG Guidelines, 2015. Collection method: not provided. Allele origin: germline. Inheritance: Unknown mechanism. Affected: yes.

PreventionGenetics, part of Exact Sciences
Classification: Benign for FBN3-related condition. Last evaluated: 2019-02-21. Review status: no assertion criteria provided. Collection method: clinical testing. Allele origin: germline. Not counted in ClinVar's aggregate classification.
Comment: This variant is classified as benign based on ACMG/AMP sequence variant interpretation guidelines (Richards et al. 2015 PMID: 25741868, with internal and published modifications).

NM_032447.5(FBN3):c.3247C>T (p.Arg1083Trp)

Gene: FBN3 (fibrillin 3; minus strand). Cytogenetic location: 19p13.2.
Variant type: single nucleotide variant.
Coding change: c.3247C>T on transcript NM_032447.5 (MANE Select); coding-DNA position 3247, C replaced by T.
Protein change: p.Arg1083Trp; replaces arginine 1083 with tryptophan.
Molecular consequence: missense variant.
Genome position (GRCh38, 1-based): chr19:8,118,987, G>A on the plus strand (C>T on the coding strand, the complement: FBN3 is on the minus strand). VCF-style: chr19-8118987-G-A. GRCh37 (hg19) VCF-style: chr19-8183871-G-A.
Other names: c.3247C>T (NM_001321431.1); c.3247C>T, p.Arg1083Trp (NM_001321431.2); short protein forms R1083W.
Identifiers: ClinVar variation 1540834 (VCV001540834.11), dbSNP rs35579498, ClinGen allele CA9152505.
Genomic context (GRCh38, chr19:8,118,987, plus strand): 5'-CATGCCCAGGGGGACACTGGCACTTGTAGCTCCCATCCGTGTTGGTGCAAGTGCCTCCCC[G>A]GCAGAGCAGCGGGTCCCTTGCACACTCGTCCACGTCTGAAGGTTTGTGTGGAAAGAGAGA-3'
Protein context (NP_115823.3, residues 1073-1093): DECARDPLLC[Arg1083Trp]GGTCTNTDGS